The following is an entry in ClinVar:

ClinVar aggregate classification (germline): Conflicting classifications of pathogenicity. Review status: criteria provided, conflicting classifications (1 of 4 stars). 4 submissions from 4 submitters: Uncertain significance (2); Likely benign (1). 1 of the submissions does not count toward it. Last evaluated 2025-09-26.

Conditions:
MYO3A-related disorder. Also called: MYO3A-related condition.
Inborn genetic diseases. Identifiers: MedGen C0950123, MeSH D030342.

Allele frequency attached by ClinVar (database versions not stated): gnomAD 0.00017 and 0.00019; gnomAD exomes 0.00008 and 0.00005; TOPMed 0.00016; ExAC 0.00007; ESP Exome Variant Server 0.00023.

Submissions (4):

GeneDx
Classification: Uncertain significance. Last evaluated: 2025-09-26. Review status: criteria provided, single submitter. Criteria: GeneDx Variant Classification Process June 2021. Collection method: clinical testing. Allele origin: germline.
Comment: In silico analysis supports that this missense variant has a deleterious effect on protein structure/function; Has not been previously published as pathogenic or benign to our knowledge

Labcorp Genetics (formerly Invitae), Labcorp
Classification: Uncertain significance. Last evaluated: 2024-10-25. Review status: criteria provided, single submitter. Criteria: Invitae Variant Classification Sherloc (09022015). Collection method: clinical testing. Allele origin: germline.
Comment: This sequence change replaces arginine, which is basic and polar, with tryptophan, which is neutral and slightly polar, at codon 179 of the MYO3A protein (p.Arg179Trp). This variant is present in population databases (rs144053789, gnomAD 0.06%). This variant has not been reported in the literature in individuals affected with MYO3A-related conditions. ClinVar contains an entry for this variant (Variation ID: 1360566). An algorithm developed to predict the effect of missense changes on protein structure and function outputs the following: PolyPhen-2: "Benign". The tryptophan amino acid residue is found in multiple mammalian species, which suggests that this missense change does not adversely affect protein function. In summary, the available evidence is currently insufficient to determine the role of this variant in disease. Therefore, it has been classified as a Variant of Uncertain Significance.

Ambry Genetics
Classification: Likely benign for Inborn genetic diseases. Last evaluated: 2022-11-22. Review status: criteria provided, single submitter. Criteria: Ambry Variant Classification Scheme 2023. Collection method: clinical testing. Allele origin: germline.

PreventionGenetics, part of Exact Sciences
Classification: Uncertain significance for MYO3A-related condition. Last evaluated: 2024-08-05. Review status: no assertion criteria provided. Collection method: clinical testing. Allele origin: germline. Not counted in ClinVar's aggregate classification.
Comment: The MYO3A c.535C>T variant is predicted to result in the amino acid substitution p.Arg179Trp. To our knowledge, this variant has not been reported in the literature. This variant is reported in 0.060% of alleles in individuals of African descent in gnomAD. Although we suspect that this variant may be benign, at this time, the clinical significance of this variant is uncertain due to the absence of conclusive functional and genetic evidence.

NM_017433.5(MYO3A):c.535C>T (p.Arg179Trp)

Gene: MYO3A (myosin IIIA; plus strand). Cytogenetic location: 10p12.1.
Variant type: single nucleotide variant.
Coding change: c.535C>T on transcript NM_017433.5 (MANE Select); coding-DNA position 535, C replaced by T.
Protein change: p.Arg179Trp; replaces arginine 179 with tryptophan.
Molecular consequence: missense variant.
Genome position (GRCh38, 1-based): chr10:26,016,846, C>T. VCF-style: chr10-26016846-C-T. GRCh37 (hg19) VCF-style: chr10-26305775-C-T.
Other names: c.535C>T, p.Arg179Trp (NM_001368265.1); c.535C>T (NM_017433.4); short protein forms R179W.
Identifiers: ClinVar variation 1360566 (VCV001360566.12), dbSNP rs144053789, ClinGen allele CA5444348.